The following is an entry in ClinVar:

NM_031220.4(PITPNM3):c.49C>T (p.Pro17Ser)

Gene: PITPNM3 (PITPNM family member 3; minus strand). Cytogenetic location: 17p13.1.
Variant type: single nucleotide variant.
Coding change: c.49C>T on transcript NM_031220.4 (MANE Select); coding-DNA position 49, C replaced by T.
Protein change: p.Pro17Ser; replaces proline 17 with serine.
Molecular consequence: missense variant.
Genome position (GRCh38, 1-based): chr17:6,538,056, G>A on the plus strand (C>T on the coding strand, the complement: PITPNM3 is on the minus strand). VCF-style: chr17-6538056-G-A. GRCh37 (hg19) VCF-style: chr17-6441376-G-A.
Other names: c.49C>T, p.Pro17Ser (NM_001165966.2); short protein forms P17S.
Identifiers: ClinVar variation 261949 (VCV000261949.16), dbSNP rs28493751, ClinGen allele CA8329963.
Genomic context (GRCh38, chr17:6,538,056, plus strand): 5'-CAAAGAATTCATCATCTGAGCTCTCCACAGAGTCACTGAGGACATTTCGAAGGTGCCAGG[G>A]GGCACCGCCGCCCGGGGGAGGACCACCTGTTAAAGGGAACACATCTGTTAACCAAGCCTG-3'
Protein context (NP_112497.2, residues 7-27): AGGPPPGGGA[Pro17Ser]WHLRNVLSDS

ClinVar aggregate classification (germline): Benign. Review status: criteria provided, multiple submitters, no conflicts (2 of 4 stars). 5 submissions from 5 submitters: Benign (5). Last evaluated 2026-02-04.

Conditions:
Cone-rod dystrophy 5 (CORD5). Identifiers: Orphanet 1872, MedGen C1832976, MONDO:0010969, OMIM 600977.

Allele frequency attached by ClinVar (database versions not stated): gnomAD exomes 0.09263 and 0.08356; 1000 Genomes Project 0.05331; ExAC 0.08418; gnomAD 0.08180 and 0.08290; ESP Exome Variant Server 0.08727; 1000 Genomes Project 30x 0.05543; TOPMed 0.07756.
gnomAD v4.1: 148,123 of 1,612,570 alleles (9.2%); highest among the groups gnomAD compares: Middle Eastern, 13%; 7,452 homozygotes.

Submissions (5):

Labcorp Genetics (formerly Invitae), Labcorp
Classification: Benign. Last evaluated: 2026-02-04. Review status: criteria provided, single submitter. Criteria: Invitae Variant Classification Sherloc (09022015). Collection method: clinical testing. Allele origin: germline.

GeneDx
Classification: Benign. Last evaluated: 2018-05-16. Review status: criteria provided, single submitter. Criteria: GeneDx Variant Classification (06012015). Collection method: clinical testing. Allele origin: germline. Affected: yes.
Comment: This variant is considered likely benign or benign based on one or more of the following criteria: it is a conservative change, it occurs at a poorly conserved position in the protein, it is predicted to be benign by multiple in silico algorithms, and/or has population frequency not consistent with disease.

Illumina Laboratory Services, Illumina
Classification: Benign for Cone-rod dystrophy 5. Last evaluated: 2018-01-12. Review status: criteria provided, single submitter. Criteria: ICSL Variant Classification Criteria 13 December 2019. Collection method: clinical testing. Allele origin: germline.
Comment: This variant was observed in the ICSL laboratory as part of a predisposition screen in an ostensibly healthy population. It had not been previously curated by ICSL or reported in the Human Gene Mutation Database (HGMD: prior to June 1st, 2018), and was therefore a candidate for classification through an automated scoring system. Utilizing variant allele frequency, disease prevalence and penetrance estimates, and inheritance mode, an automated score was calculated to assess if this variant is too frequent to cause the disease. Based on the score and internal cut-off values, a variant classified as benign is not then subjected to further curation. The score for this variant resulted in a classification of benign for this disease.

Breakthrough Genomics
Classification: Benign. Review status: criteria provided, single submitter. Criteria: ACMG Guidelines, 2015. Collection method: not provided. Allele origin: germline. Inheritance: Autosomal dominant inheritance. Affected: yes.

PreventionGenetics, part of Exact Sciences
Classification: Benign. Review status: criteria provided, single submitter. Criteria: ACMG Guidelines, 2015. Collection method: clinical testing. Allele origin: germline.